The following is an entry in ClinVar:

NM_024642.5(GALNT12):c.402T>C (p.Asn134=)

Gene: GALNT12 (polypeptide N-acetylgalactosaminyltransferase 12; plus strand). Cytogenetic location: 9q22.33.
Variant type: single nucleotide variant.
Coding change: c.402T>C on transcript NM_024642.5 (MANE Select); coding-DNA position 402, T replaced by C.
Protein change: p.Asn134=; no amino-acid change (asparagine 134 retained).
Molecular consequence: synonymous variant.
Genome position (GRCh38, 1-based): chr9:98,823,286, T>C. VCF-style: chr9-98823286-T-C. GRCh37 (hg19) VCF-style: chr9-101585568-T-C.
Identifiers: ClinVar variation 4875742 (VCV004875742.1).

ClinVar aggregate classification (germline): Benign (1 of 4 stars; one submission).

Conditions:
Colorectal cancer, susceptibility to, 1. Also called: COLORECTAL ADENOMA AND CANCER, SUSCEPTIBILITY TO; COLORECTAL CANCER, SUSCEPTIBILITY TO, ON CHROMOSOME 9. Identifiers: MedGen C1837315, MONDO:0012132, OMIM 608812.

Submission:

Myriad Genetics, Inc.
Classification: Benign for Colorectal cancer, susceptibility to, 1. Last evaluated: 2026-04-23. Review status: criteria provided, single submitter. Criteria: Myriad Autosomal Dominant, Autosomal Recessive and X-Linked Classification Criteria (2023). Collection method: clinical testing. Allele origin: unknown.
Comment: This variant is considered benign. This variant is a silent/synonymous amino acid change and it is not expected to impact splicing.